The following is an entry in ClinVar:

NM_001100913.3(PACS2):c.2487G>A (p.Met829Ile)

Gene: PACS2 (phosphofurin acidic cluster sorting protein 2; plus strand). Cytogenetic location: 14q32.33.
Variant type: single nucleotide variant.
Coding change: c.2487G>A on transcript NM_001100913.3 (MANE Select); coding-DNA position 2487, G replaced by A.
Protein change: p.Met829Ile; replaces methionine 829 with isoleucine.
Molecular consequence: missense variant.
Genome position (GRCh38, 1-based): chr14:105,393,226, G>A. VCF-style: chr14-105393226-G-A. GRCh37 (hg19) VCF-style: chr14-105859563-G-A.
Other names: c.2217G>A, p.Met739Ile (NM_001243127.3); c.2442G>A, p.Met814Ile (NM_015197.4); short protein forms M739I, M814I, M829I.
Identifiers: ClinVar variation 4535747 (VCV004535747.1).

ClinVar aggregate classification (germline): Uncertain significance (1 of 4 stars; one submission).

gnomAD v4.1: 2 of 1,612,058 alleles (0.00012%); highest among the groups gnomAD compares: African/African-American, 0.0013%; no homozygotes.

Submission:

Women's Health and Genetics/Laboratory Corporation of America, LabCorp
Classification: Uncertain significance. Last evaluated: 2025-09-05. Review status: criteria provided, single submitter. Criteria: LabCorp Variant Classification Summary - May 2015. Collection method: clinical testing. Allele origin: germline.
Comment: Variant summary: PACS2 c.2487G>A (p.Met829Ile) results in a conservative amino acid change in the encoded protein sequence. Algorithms developed to predict the effect of missense changes on protein structure and function are either unavailable or do not agree on the potential impact of this missense change. The variant was absent in 250294 control chromosomes. The available data on variant occurrences in the general population are insufficient to allow any conclusion about variant significance. To our knowledge, no occurrence of c.2487G>A in individuals affected with PACS2-related conditions and no experimental evidence demonstrating its impact on protein function have been reported. No submitters have cited clinical-significance assessments for this variant to ClinVar. Based on the evidence outlined above, the variant was classified as uncertain significance.